The following is an entry in ClinVar:

NM_015512.5(DNAH1):c.10080G>C (p.Gln3360His)

Gene: DNAH1 (dynein axonemal heavy chain 1; plus strand). Cytogenetic location: 3p21.1.
Variant type: single nucleotide variant.
Coding change: c.10080G>C on transcript NM_015512.5 (MANE Select); coding-DNA position 10080, G replaced by C.
Protein change: p.Gln3360His; replaces glutamine 3360 with histidine.
Molecular consequence: missense variant.
Genome position (GRCh38, 1-based): chr3:52,392,491, G>C. VCF-style: chr3-52392491-G-C. GRCh37 (hg19) VCF-style: chr3-52426507-G-C.
Other names: short protein forms Q3360H.
Identifiers: ClinVar variation 783169 (VCV000783169.13), dbSNP rs116930509, ClinGen allele CA2435709.

ClinVar aggregate classification (germline): Benign. Review status: criteria provided, multiple submitters, no conflicts (2 of 4 stars). 3 submissions from 3 submitters: Benign (2). 1 of the submissions does not count toward it. Last evaluated 2025-12-22.

Conditions:
Spermatogenic failure 18. Identifiers: MedGen C4539783, MONDO:0054615, OMIM 617576.
Ciliary dyskinesia, primary, 37 (CILD37). Also called: CILIARY DYSKINESIA, PRIMARY, 37, WITH OR WITHOUT SITUS INVERSUS. Identifiers: MedGen C4539798, MONDO:0033204, OMIM 617577.
DNAH1-related disorder. Also called: DNAH1-related condition.

Allele frequency attached by ClinVar (database versions not stated): TOPMed 0.00083; gnomAD exomes 0.00117 and 0.00035; gnomAD 0.00038 and 0.00060; ExAC 0.00118; 1000 Genomes Project 30x 0.00328; 1000 Genomes Project 0.00359.
gnomAD v4.1: 627 of 1,613,834 alleles (0.039%); highest among the groups gnomAD compares: East Asian, 1.1%; 8 homozygotes.

Submissions (3):

Labcorp Genetics (formerly Invitae), Labcorp
Classification: Benign for Ciliary dyskinesia, primary, 37; Spermatogenic failure 18. Last evaluated: 2025-12-22. Review status: criteria provided, single submitter. Criteria: Invitae Variant Classification Sherloc (09022015). Collection method: clinical testing. Allele origin: germline.

Fulgent Genetics
Classification: Benign for Spermatogenic failure 18; Ciliary dyskinesia, primary, 37. Last evaluated: 2021-11-04. Review status: criteria provided, single submitter. Criteria: ACMG Guidelines, 2015. Collection method: clinical testing. Allele origin: unknown.

PreventionGenetics, part of Exact Sciences
Classification: Benign for DNAH1-related condition. Last evaluated: 2019-08-09. Review status: no assertion criteria provided. Collection method: clinical testing. Allele origin: germline. Not counted in ClinVar's aggregate classification.
Comment: This variant is classified as benign based on ACMG/AMP sequence variant interpretation guidelines (Richards et al. 2015 PMID: 25741868, with internal and published modifications).